The following is an entry in ClinVar:

ClinVar aggregate classification (germline): Uncertain significance (1 of 4 stars; one submission).

Conditions:
Cohen syndrome (COH1). Also called: PEPPER SYNDROME; Cutis verticis gyrata, retinitis pigmentosa, and sensorineural deafness. Identifiers: Orphanet 193, MedGen C0265223, MONDO:0008999, OMIM 216550.

Allele frequency attached by ClinVar (database versions not stated): gnomAD 0.00001.
gnomAD v4.1: 3 of 1,613,962 alleles (0.00019%); highest among the groups gnomAD compares: East Asian, 0.0022%; no homozygotes.

Submission:

Labcorp Genetics (formerly Invitae), Labcorp
Classification: Uncertain significance for Cohen syndrome. Last evaluated: 2024-10-24. Review status: criteria provided, single submitter. Criteria: Invitae Variant Classification Sherloc (09022015). Collection method: clinical testing. Allele origin: germline.
Comment: This sequence change replaces aspartic acid, which is acidic and polar, with glutamic acid, which is acidic and polar, at codon 34 of the VPS13B protein (p.Asp34Glu). This variant is present in population databases (no rsID available, gnomAD 0.007%). This variant has not been reported in the literature in individuals affected with VPS13B-related conditions. ClinVar contains an entry for this variant (Variation ID: 1714464). Invitae Evidence Modeling of protein sequence and biophysical properties (such as structural, functional, and spatial information, amino acid conservation, physicochemical variation, residue mobility, and thermodynamic stability) indicates that this missense variant is expected to disrupt VPS13B protein function with a positive predictive value of 80%. In summary, the available evidence is currently insufficient to determine the role of this variant in disease. Therefore, it has been classified as a Variant of Uncertain Significance.

NM_152564.5(VPS13B):c.102C>G (p.Asp34Glu)

Gene: VPS13B (vacuolar protein sorting 13 homolog B; plus strand). Cytogenetic location: 8q22.2.
Variant type: single nucleotide variant.
Coding change: c.102C>G on transcript NM_152564.5 (MANE Select); coding-DNA position 102, C replaced by G.
Protein change: p.Asp34Glu; replaces aspartic acid 34 with glutamic acid.
Molecular consequence: missense variant. On other transcripts: non-coding transcript variant (1).
Genome position (GRCh38, 1-based): chr8:99,013,890, C>G. VCF-style: chr8-99013890-C-G. GRCh37 (hg19) VCF-style: chr8-100026118-C-G.
Other names: c.102C>G, p.Asp34Glu (NM_015243.3, NM_017890.5, NM_181661.3); short protein forms D34E.
Identifiers: ClinVar variation 1714464 (VCV001714464.5), dbSNP rs1428137006, ClinGen allele CA371856363.
Genomic context (GRCh38, chr8:99,013,890, plus strand): 5'-GAATCGCTACATCAAGAACTTAAAGCCGTCGGATCTACAGCTTTCACTATGGGGTGGAGA[C>G]GTGGTACTCAGCAAGCTCGAGTTAAAGTTGGATGTGCTGGAACAGGTAAGCTATTTAGCT-3'
Protein context (NP_689777.3, residues 24-44): SDLQLSLWGG[Asp34Glu]VVLSKLELKL